The following is an entry in ClinVar:

NM_006019.4(TCIRG1):c.1280C>T (p.Pro427Leu)

Gene: TCIRG1 (T cell immune regulator 1, ATPase H+ transporting V0 subunit a3; plus strand). Cytogenetic location: 11q13.2.
Variant type: single nucleotide variant.
Coding change: c.1280C>T on transcript NM_006019.4 (MANE Select); coding-DNA position 1280, C replaced by T.
Protein change: p.Pro427Leu; replaces proline 427 with leucine.
Molecular consequence: missense variant.
Genome position (GRCh38, 1-based): chr11:68,047,547, C>T. VCF-style: chr11-68047547-C-T. GRCh37 (hg19) VCF-style: chr11-67815014-C-T.
Other names: c.386C>T, p.Pro129Leu (NM_001351059.2); c.632C>T, p.Pro211Leu (NM_006053.4); c.1280C>T (NM_006019.3); short protein forms P211L, P129L, P427L.
Identifiers: ClinVar variation 2174350 (VCV002174350.3), dbSNP rs200633409, ClinGen allele CA6147039.

ClinVar aggregate classification (germline): Uncertain significance. Review status: criteria provided, multiple submitters, no conflicts (2 of 4 stars). 2 submissions from 2 submitters: Uncertain significance (2). Last evaluated 2025-07-14.

Conditions:
Inborn genetic diseases. Identifiers: MedGen C0950123, MeSH D030342.

Allele frequency attached by ClinVar (database versions not stated): gnomAD exomes 0.00003; 1000 Genomes Project 0.00020; 1000 Genomes Project 30x 0.00031.
gnomAD v4.1: 47 of 1,613,768 alleles (0.0029%); highest among the groups gnomAD compares: Middle Eastern, 0.017%; no homozygotes.

Submissions (2):

Labcorp Genetics (formerly Invitae), Labcorp
Classification: Uncertain significance. Last evaluated: 2025-07-14. Review status: criteria provided, single submitter. Criteria: Invitae Variant Classification Sherloc (09022015). Collection method: clinical testing. Allele origin: germline.
Comment: This sequence change replaces proline, which is neutral and non-polar, with leucine, which is neutral and non-polar, at codon 427 of the TCIRG1 protein (p.Pro427Leu). This variant is present in population databases (rs200633409, gnomAD 0.006%). This variant has not been reported in the literature in individuals affected with TCIRG1-related conditions. ClinVar contains an entry for this variant (Variation ID: 2174350). An algorithm developed to predict the effect of missense changes on protein structure and function (PolyPhen-2) suggests that this variant is likely to be disruptive. In summary, the available evidence is currently insufficient to determine the role of this variant in disease. Therefore, it has been classified as a Variant of Uncertain Significance.

Ambry Genetics
Classification: Uncertain significance for Inborn genetic diseases. Last evaluated: 2025-05-25. Review status: criteria provided, single submitter. Criteria: Ambry Variant Classification Scheme 2023. Collection method: clinical testing. Allele origin: germline.